The following is an entry in ClinVar:

ClinVar aggregate classification (germline): Uncertain significance (1 of 4 stars; one submission).

Conditions:
Inborn genetic diseases. Identifiers: MedGen C0950123, MeSH D030342.

Submission:

Ambry Genetics
Classification: Uncertain significance for Inborn genetic diseases. Last evaluated: 2025-03-08. Review status: criteria provided, single submitter. Criteria: Ambry Variant Classification Scheme 2023. Collection method: clinical testing. Allele origin: germline.
Comment: The p.C620Y variant (also known as c.1859G>A), located in coding exon 14 of the FANCG gene, results from a G to A substitution at nucleotide position 1859. The cysteine at codon 620 is replaced by tyrosine, an amino acid with highly dissimilar properties. This amino acid position is conserved. In addition, this alteration is predicted to be tolerated by in silico analysis. Based on the available evidence, the clinical significance of this variant remains unclear.

NM_004629.2(FANCG):c.1859G>A (p.Cys620Tyr)

Gene: FANCG (FA complementation group G; minus strand). Cytogenetic location: 9p13.3.
Variant type: single nucleotide variant.
Coding change: c.1859G>A on transcript NM_004629.2 (MANE Select); coding-DNA position 1859, G replaced by A.
Protein change: p.Cys620Tyr; replaces cysteine 620 with tyrosine.
Molecular consequence: missense variant.
Genome position (GRCh38, 1-based): chr9:35,074,118, C>T on the plus strand (G>A on the coding strand, the complement: FANCG is on the minus strand). VCF-style: chr9-35074118-C-T. GRCh37 (hg19) VCF-style: chr9-35074115-C-T.
Other names: short protein forms C620Y.
Identifiers: ClinVar variation 3848463 (VCV003848463.1).